The following is an entry in ClinVar:

NM_001370259.2(MEN1):c.1026G>C (p.Ala342=)

Gene: MEN1 (menin 1; minus strand). Cytogenetic location: 11q13.1.
Variant type: single nucleotide variant.
Coding change: c.1026G>C on transcript NM_001370259.2 (MANE Select); coding-DNA position 1026, G replaced by C.
Protein change: p.Ala342=; no amino-acid change (alanine 342 retained).
Molecular consequence: synonymous variant.
Genome position (GRCh38, 1-based): chr11:64,806,255, C>G on the plus strand (G>C on the coding strand, the complement: MEN1 is on the minus strand). VCF-style: chr11-64806255-C-G. GRCh37 (hg19) VCF-style: chr11-64573727-C-G.
Other names: c.1041G>C (NM_000244.3); c.1026G>C (NM_130799.2); c.1041G>C, p.Ala347= (NM_000244.4, NM_130800.3, NM_130801.3 and 3 more transcripts); c.1026G>C, p.Ala342= (NM_001370251.2, NM_001370260.2, NM_001370261.2 and 1 more transcripts); c.921G>C, p.Ala307= (NM_001370262.2, NM_001370263.2).
Identifiers: ClinVar variation 1150220 (VCV001150220.11), dbSNP rs878855184, ClinGen allele CA474983258.

ClinVar aggregate classification (germline): Likely benign. Review status: criteria provided, multiple submitters, no conflicts (2 of 4 stars). 3 submissions from 3 submitters: Likely benign (3). Last evaluated 2026-01-09.

Conditions:
Multiple endocrine neoplasia, type 1 (MEN1). Also called: MEA I; MEN I; WERMER SYNDROME; Endocrine adenomatosis multiple; MEN 1. Identifiers: Orphanet 652, MedGen C0025267, MeSH D018761, MONDO:0007540, OMIM 131100.
MEN1-related disorder. Also called: MEN1-related condition.
Hereditary cancer-predisposing syndrome. Also called: Tumor predisposition; Hereditary Cancer Syndrome; Neoplastic Syndromes, Hereditary; Hereditary neoplastic syndrome. Identifiers: Orphanet 140162, MedGen C0027672, MeSH D009386, MONDO:0015356.

Submissions (3):

PreventionGenetics, part of Exact Sciences
Classification: Likely benign for MEN1-related condition. Last evaluated: 2026-01-09. Review status: criteria provided, single submitter. Criteria: ACMG Guidelines, 2015. Collection method: clinical testing. Allele origin: germline.
Comment: This variant is classified as likely benign based on ACMG/AMP sequence variant interpretation guidelines (Richards et al. 2015 PMID: 25741868, with internal and published modifications).

Labcorp Genetics (formerly Invitae), Labcorp
Classification: Likely benign for Multiple endocrine neoplasia, type 1. Last evaluated: 2025-01-22. Review status: criteria provided, single submitter. Criteria: Invitae Variant Classification Sherloc (09022015). Collection method: clinical testing. Allele origin: germline.

Ambry Genetics
Classification: Likely benign for Hereditary cancer-predisposing syndrome. Last evaluated: 2023-01-19. Review status: criteria provided, single submitter. Criteria: Ambry Variant Classification Scheme 2023. Collection method: clinical testing. Allele origin: germline.